The following is an entry in ClinVar:

NM_000021.4(PSEN1):c.*3358A>G

Gene: PSEN1 (presenilin 1; plus strand). Cytogenetic location: 14q24.2.
Variant type: single nucleotide variant.
Coding change: c.*3358A>G on transcript NM_000021.4 (MANE Select); 3358 bases downstream of the stop codon, A replaced by G.
Molecular consequence: 3 prime UTR variant.
Genome position (GRCh38, 1-based): chr14:73,222,647, A>G. VCF-style: chr14-73222647-A-G. GRCh37 (hg19) VCF-style: chr14-73689355-A-G.
Other names: c.*3358A>G (NM_007318.3).
Identifiers: ClinVar variation 884730 (VCV000884730.5), dbSNP rs74061006, ClinGen allele CA262622263.

ClinVar aggregate classification (germline): Benign/Likely benign. Review status: criteria provided, multiple submitters, no conflicts (2 of 4 stars). 3 submissions from 2 submitters: Benign (1); Likely benign (2). Last evaluated 2018-01-13.

Conditions:
Dilated cardiomyopathy 1U. Identifiers: Orphanet 154, MedGen C3160720, MONDO:0013371, OMIM 613694.
Alzheimer disease 3 (AD3). Also called: ALZHEIMER DISEASE, FAMILIAL, 3. Identifiers: Orphanet 1020, MedGen C1843013, MONDO:0011913, OMIM 607822.

Allele frequency attached by ClinVar (database versions not stated): gnomAD 0.00699 and 0.00741; 1000 Genomes Project 0.00779; TOPMed 0.00803; 1000 Genomes Project 30x 0.00859.

Submissions (3):

Illumina Laboratory Services, Illumina
Classification: Likely benign for Dilated cardiomyopathy 1U. Last evaluated: 2018-01-13. Review status: criteria provided, single submitter. Criteria: ICSL Variant Classification Criteria 13 December 2019. Collection method: clinical testing. Allele origin: germline.
Comment: This variant was observed in the ICSL laboratory as part of a predisposition screen in an ostensibly healthy population. It had not been previously curated by ICSL or reported in the Human Gene Mutation Database (HGMD: prior to June 1st, 2018), and was therefore a candidate for classification through an automated scoring system. Utilizing variant allele frequency, disease prevalence and penetrance estimates, and inheritance mode, an automated score was calculated to assess if this variant is too frequent to cause the disease. Based on the score and internal cut-off values, a variant classified as likely benign is not then subjected to further curation. The score for this variant resulted in a classification of likely benign for this disease.

Illumina Laboratory Services, Illumina
Classification: Benign for Alzheimer disease 3. Last evaluated: 2018-01-13. Review status: criteria provided, single submitter. Criteria: ICSL Variant Classification Criteria 13 December 2019. Collection method: clinical testing. Allele origin: germline.
Comment: This variant was observed in the ICSL laboratory as part of a predisposition screen in an ostensibly healthy population. It had not been previously curated by ICSL or reported in the Human Gene Mutation Database (HGMD: prior to June 1st, 2018), and was therefore a candidate for classification through an automated scoring system. Utilizing variant allele frequency, disease prevalence and penetrance estimates, and inheritance mode, an automated score was calculated to assess if this variant is too frequent to cause the disease. Based on the score and internal cut-off values, a variant classified as benign is not then subjected to further curation. The score for this variant resulted in a classification of benign for this disease.

Breakthrough Genomics
Classification: Likely benign. Review status: criteria provided, single submitter. Criteria: ACMG Guidelines, 2015. Collection method: not provided. Allele origin: germline. Inheritance: Autosomal dominant inheritance. Affected: yes.